The following is an entry in ClinVar:

NC_000017.11:g.(?_17223916)_(17224149_?)del

Gene: FLCN (folliculin; minus strand). Cytogenetic location: 17p11.2.
Variant type: Deletion.
Identifiers: ClinVar variation 583540 (VCV000583540.1).

ClinVar aggregate classification (germline): Likely pathogenic (1 of 4 stars; one submission).

Conditions:
Birt-Hogg-Dube syndrome. Also called: Birt Hogg Dubé syndrome. Identifiers: Orphanet 122, MedGen C0346010, MONDO:0800444.

Submission:

Labcorp Genetics (formerly Invitae), Labcorp
Classification: Likely pathogenic for Multiple fibrofolliculomas. Last evaluated: 2018-02-22. Review status: criteria provided, single submitter. Criteria: Invitae Variant Classification Sherloc (09022015). Collection method: clinical testing. Allele origin: germline.
Comment: This variant is an in-frame deletion of the genomic region encompassing exon 6 of the FLCN gene. It preserves the integrity of the reading frame. Deletions of exon 6 have not been reported in the literature in individuals with FLCN-related disease. An in-frame, single amino acid deletion in this region (p.Phe157del) has been determined to be pathogenic (PMID: 22571569, 21538689, 18505456, 28724667, 27906882). This suggests that residue 157 is critical for FLCN protein function and that deletions that affect this region may also be pathogenic. In summary, the currently available evidence indicates that the variant is pathogenic, but additional data are needed to prove that conclusively. Therefore, this variant has been classified as Likely Pathogenic.

Literature cited by the submitters: PubMed 22571569; PubMed 21538689; PubMed 28724667; PubMed 18505456; PubMed 27906882.